The following is an entry in ClinVar:

NM_001374828.1(ARID1B):c.3715-2A>G

Gene: ARID1B (AT-rich interaction domain 1B; plus strand). Cytogenetic location: 6q25.3.
Variant type: single nucleotide variant.
Coding change: c.3715-2A>G on transcript NM_001374828.1 (MANE Select); the canonical splice acceptor site of the intron before coding-DNA position 3715, A replaced by G.
Molecular consequence: splice acceptor variant.
Genome position (GRCh38, 1-based): chr6:157,184,229, A>G. VCF-style: chr6-157184229-A-G. GRCh37 (hg19) VCF-style: chr6-157505363-A-G.
Other names: c.3595-2A>G (NM_001371656.1, NM_001374820.1); c.3556-2A>G (NM_017519.3); c.1216-2A>G (NM_001363725.2).
Identifiers: ClinVar variation 2080138 (VCV002080138.4), dbSNP rs2538412984, ClinGen allele CA366229874.

ClinVar aggregate classification (germline): Likely pathogenic (1 of 4 stars; one submission).

Submission:

Labcorp Genetics (formerly Invitae), Labcorp
Classification: Likely pathogenic. Last evaluated: 2022-08-16. Review status: criteria provided, single submitter. Criteria: Invitae Variant Classification Sherloc (09022015). Collection method: clinical testing. Allele origin: germline.
Comment: In summary, the currently available evidence indicates that the variant is pathogenic, but additional data are needed to prove that conclusively. Therefore, this variant has been classified as Likely Pathogenic. Algorithms developed to predict the effect of sequence changes on RNA splicing suggest that this variant may disrupt the consensus splice site. This variant has not been reported in the literature in individuals affected with ARID1B-related conditions. This variant is not present in population databases (gnomAD no frequency). This sequence change affects an acceptor splice site in intron 12 of the ARID1B gene. It is expected to disrupt RNA splicing. Variants that disrupt the donor or acceptor splice site typically lead to a loss of protein function (PMID: 16199547), and loss-of-function variants in ARID1B are known to be pathogenic (PMID: 25674384, 30349098).

Literature cited by the submitters: PubMed 16199547; PubMed 25674384; PubMed 30349098.